The following is an entry in ClinVar:

ClinVar aggregate classification (germline): Uncertain significance. Review status: criteria provided, multiple submitters, no conflicts (2 of 4 stars). 5 submissions from 5 submitters: Uncertain significance (5). Last evaluated 2026-02-17.

Conditions:
Hereditary pancreatitis (PCTT). Also called: PRSS1-Related Hereditary Pancreatitis; Hereditary chronic pancreatitis. Identifiers: Orphanet 676, MedGen C0238339, MONDO:0008185, OMIM 167800.

Allele frequency attached by ClinVar (database versions not stated): ExAC 0.00001; gnomAD exomes 0.00002 and 0.00003; gnomAD 0.00003; TOPMed 0.00004.
gnomAD v4.1: 46 of 1,614,010 alleles (0.0029%); highest among the groups gnomAD compares: Middle Eastern, 0.049%; no homozygotes.

Submissions (5):

Ambry Genetics
Classification: Uncertain significance for Hereditary pancreatitis. Last evaluated: 2026-02-17. Review status: criteria provided, single submitter. Criteria: Ambry Variant Classification Scheme 2023. Collection method: clinical testing. Allele origin: germline.

Labcorp Genetics (formerly Invitae), Labcorp
Classification: Uncertain significance for Hereditary pancreatitis. Last evaluated: 2025-10-15. Review status: criteria provided, single submitter. Criteria: Invitae Variant Classification Sherloc (09022015). Collection method: clinical testing. Allele origin: germline.
Comment: This sequence change replaces valine, which is neutral and non-polar, with isoleucine, which is neutral and non-polar, at codon 69 of the CTRC protein (p.Val69Ile). This variant is present in population databases (rs760911831, gnomAD 0.01%). This missense change has been observed in individual(s) with chronic pancreatitis (PMID: 29173301). ClinVar contains an entry for this variant (Variation ID: 874807). Invitae Evidence Modeling of protein sequence and biophysical properties (such as structural, functional, and spatial information, amino acid conservation, physicochemical variation, residue mobility, and thermodynamic stability) has been performed for this missense variant. However, the output from this modeling did not meet the statistical confidence thresholds required to predict the impact of this variant on CTRC protein function. In summary, the available evidence is currently insufficient to determine the role of this variant in disease. Therefore, it has been classified as a Variant of Uncertain Significance.

Blueprint Genetics
Classification: Uncertain significance. Last evaluated: 2024-07-16. Review status: criteria provided, single submitter. Criteria: ACMG Guidelines, 2015. Collection method: clinical testing. Allele origin: germline.

Mayo Clinic Laboratories, Mayo Clinic
Classification: Uncertain significance. Last evaluated: 2020-03-12. Review status: criteria provided, single submitter. Criteria: ACMG Guidelines, 2015. Collection method: clinical testing. Allele origin: germline. Observed: 1 variant allele.

Illumina Laboratory Services, Illumina
Classification: Uncertain significance for Hereditary pancreatitis. Last evaluated: 2018-01-13. Review status: criteria provided, single submitter. Criteria: ICSL Variant Classification Criteria 13 December 2019. Collection method: clinical testing. Allele origin: germline.

Literature cited by the submitters: PubMed 29173301 (cited by Labcorp Genetics (formerly Invitae), Labcorp).

NM_007272.3(CTRC):c.205G>A (p.Val69Ile)

Gene: CTRC (chymotrypsin C; plus strand). Cytogenetic location: 1p36.21.
Variant type: single nucleotide variant.
Coding change: c.205G>A on transcript NM_007272.3 (MANE Select); coding-DNA position 205, G replaced by A.
Protein change: p.Val69Ile; replaces valine 69 with isoleucine.
Molecular consequence: missense variant.
Genome position (GRCh38, 1-based): chr1:15,440,565, G>A. VCF-style: chr1-15440565-G-A. GRCh37 (hg19) VCF-style: chr1-15767061-G-A.
Other names: short protein forms V69I.
Identifiers: ClinVar variation 874807 (VCV000874807.22), dbSNP rs760911831, ClinGen allele CA613259.